The following is an entry in ClinVar:

NM_025137.4(SPG11):c.4085T>C (p.Leu1362Pro)

Gene: SPG11 (SPG11 vesicle trafficking associated, spatacsin; minus strand). Cytogenetic location: 15q21.1.
Variant type: single nucleotide variant.
Coding change: c.4085T>C on transcript NM_025137.4 (MANE Select); coding-DNA position 4085, T replaced by C.
Protein change: p.Leu1362Pro; replaces leucine 1362 with proline.
Molecular consequence: missense variant.
Genome position (GRCh38, 1-based): chr15:44,596,860, A>G on the plus strand (T>C on the coding strand, the complement: SPG11 is on the minus strand). VCF-style: chr15-44596860-A-G. GRCh37 (hg19) VCF-style: chr15-44889058-A-G.
Other names: p.Leu1362Pro; c.4085T>C, p.Leu1362Pro (NM_001160227.2); short protein forms L1362P.
Identifiers: ClinVar variation 406513 (VCV000406513.9), dbSNP rs757078269, ClinGen allele CA7534766.
Genomic context (GRCh38, chr15:44,596,860, plus strand): 5'-TTGTGGAGTTGGCTGTGAATAATGAACTGCAGCCAATCATTTGCTTTGGCACATTCTCTA[A>G]GGTAAGATATGCTTAGTTTCATATTGTGTAGCCTGCAGAACTGCACCACTAATGCCCATT-3'
Protein context (NP_079413.3, residues 1352-1372): LHNMKLSISY[Leu1362Pro]RECAKANDWL

ClinVar aggregate classification (germline): Uncertain significance. Review status: criteria provided, multiple submitters, no conflicts (2 of 4 stars). 3 submissions from 3 submitters: Uncertain significance (3). Last evaluated 2023-12-28.

Conditions:
Inborn genetic diseases. Identifiers: MedGen C0950123, MeSH D030342.
Hereditary spastic paraplegia 11. Also called: Spastic Paraplegia 11; Spastic paraplegia, mental retardation and thin corpus callosum; Nakamura Osame syndrome; Autosomal recessive hereditary spastic paraplegia, mental impairment, and thin corpus callosum; SPASTIC PARAPLEGIA, AUTOSOMAL RECESSIVE, COMPLICATED, WITH THIN CORPUS CALLOSUM; SPASTIC PARAPLEGIA, AUTOSOMAL RECESSIVE, WITH MENTAL IMPAIRMENT AND THIN CORPUS CALLOSUM. Identifiers: Orphanet 2822, MedGen C1858479, MONDO:0011445, OMIM 604360.

Allele frequency attached by ClinVar (database versions not stated): gnomAD 0.00001; gnomAD exomes 0.00001; TOPMed 0.00001; ExAC 0.00002.
gnomAD v4.1: 12 of 1,613,820 alleles (0.00074%); highest among the groups gnomAD compares: Non-Finnish European, 0.001%; no homozygotes.

Submissions (3):

Ambry Genetics
Classification: Uncertain significance for Inborn genetic diseases. Last evaluated: 2023-12-28. Review status: criteria provided, single submitter. Criteria: Ambry Variant Classification Scheme 2023. Collection method: clinical testing. Allele origin: germline.

Mayo Clinic Laboratories, Mayo Clinic
Classification: Uncertain significance. Last evaluated: 2023-06-12. Review status: criteria provided, single submitter. Criteria: ACMG Guidelines, 2015. Collection method: clinical testing. Allele origin: germline. Observed: 1 variant allele.

Labcorp Genetics (formerly Invitae), Labcorp
Classification: Uncertain significance for Hereditary spastic paraplegia 11. Last evaluated: 2021-08-28. Review status: criteria provided, single submitter. Criteria: Invitae Variant Classification Sherloc (09022015). Collection method: clinical testing. Allele origin: germline.
Comment: This sequence change replaces leucine with proline at codon 1362 of the SPG11 protein (p.Leu1362Pro). The leucine residue is highly conserved and there is a moderate physicochemical difference between leucine and proline. This variant is present in population databases (rs757078269, ExAC 0.004%). This variant has not been reported in the literature in individuals affected with SPG11-related conditions. ClinVar contains an entry for this variant (Variation ID: 406513). Algorithms developed to predict the effect of missense changes on protein structure and function are either unavailable or do not agree on the potential impact of this missense change (SIFT: "Deleterious"; PolyPhen-2: "Probably Damaging"; Align-GVGD: "Class C0"). In summary, the available evidence is currently insufficient to determine the role of this variant in disease. Therefore, it has been classified as a Variant of Uncertain Significance.